The following is an entry in ClinVar:

NM_001378454.1(ALMS1):c.8075AAG[1] (p.Glu2693del)

Gene: ALMS1 (ALMS1 centrosome and basal body associated protein; plus strand). Cytogenetic location: 2p13.1.
Variant type: Microsatellite.
Coding change: c.8075AAG[1] on transcript NM_001378454.1 (MANE Select); one copy of the 3-base unit AAG starting at c.8075; the reference has two copies in a row; one copy, 3 bases deleted.
Protein change: p.Glu2693del; deletes glutamic acid 2693.
Molecular consequence: inframe deletion.
Genome position (GRCh38, 1-based): chr2:73,490,037-73,490,039, AAG deleted; deleting any 3 consecutive bases within chr2:73,490,034-73,490,039 gives the same sequence; the position shown is the placement nearest the transcript's 3' end. VCF-style (leftmost placement, unchanged base first): chr2-73490033-AAAG-A. GRCh37 (hg19) VCF-style: chr2-73717160-AAAG-A.
Other names: c.8081_8083delAAG (NM_015120.4); c.8078AAG[1], p.Glu2694del (NM_015120.4); short protein forms E2694del, E2693del.
Identifiers: ClinVar variation 556494 (VCV000556494.5), dbSNP rs1553409676, ClinGen allele CA658821973.

ClinVar aggregate classification (germline): Uncertain significance. Review status: criteria provided, single submitter (1 of 4 stars). 2 submissions from 2 submitters: Uncertain significance (1). 1 of the submissions does not count toward it. Last evaluated 2022-06-22.

Conditions:
Alstrom syndrome (ALMS). Identifiers: Orphanet 64, MedGen C0268425, MONDO:0008763, OMIM 203800.

Submissions (2):

Labcorp Genetics (formerly Invitae), Labcorp
Classification: Uncertain significance for Alstrom syndrome. Last evaluated: 2022-06-22. Review status: criteria provided, single submitter. Criteria: Invitae Variant Classification Sherloc (09022015). Collection method: clinical testing. Allele origin: germline.
Comment: ClinVar contains an entry for this variant (Variation ID: 556494). Experimental studies and prediction algorithms are not available or were not evaluated, and the functional significance of this variant is currently unknown. In summary, the available evidence is currently insufficient to determine the role of this variant in disease. Therefore, it has been classified as a Variant of Uncertain Significance. This variant has not been reported in the literature in individuals affected with ALMS1-related conditions. This variant, c.8081_8083del, results in the deletion of 1 amino acid(s) of the ALMS1 protein (p.Glu2694del), but otherwise preserves the integrity of the reading frame. This variant is not present in population databases (gnomAD no frequency).

Counsyl
Classification: Uncertain significance for Alstrom syndrome. Last evaluated: 2018-02-01. Review status: no assertion criteria provided. Collection method: clinical testing. Allele origin: unknown. Not counted in ClinVar's aggregate classification.